The following is an entry in ClinVar:

ClinVar aggregate classification (germline): Pathogenic (1 of 4 stars; one submission).

Conditions:
Beckwith-Wiedemann syndrome (BWS). Also called: EMG SYNDROME; Exomphalos macroglossia gigantism syndrome. Identifiers: Orphanet 116, MedGen C0004903, MONDO:0007534, OMIM 130650.

Submission:

Labcorp Genetics (formerly Invitae), Labcorp
Classification: Pathogenic for Beckwith-Wiedemann syndrome. Last evaluated: 2022-05-08. Review status: criteria provided, single submitter. Criteria: Invitae Variant Classification Sherloc (09022015). Collection method: clinical testing. Allele origin: germline.
Comment: For these reasons, this variant has been classified as Pathogenic. This variant has not been reported in the literature in individuals affected with CDKN1C-related conditions. This variant is not present in population databases (gnomAD no frequency). This sequence change creates a premature translational stop signal (p.Val151Serfs*90) in the CDKN1C gene. It is expected to result in an absent or disrupted protein product. Loss-of-function variants in CDKN1C are known to be pathogenic (PMID: 20503313).

Literature cited by the submitters: PubMed 20503313.

NM_001122630.2(CDKN1C):c.416dup (p.Val140fs)

Gene: CDKN1C (cyclin dependent kinase inhibitor 1C; minus strand). Cytogenetic location: 11p15.4.
Variant type: Duplication.
Coding change: c.416dup on transcript NM_001122630.2 (MANE Select); coding-DNA position 416, one base duplicated (C; older notation c.416dupC).
Protein change: p.Val140fs; shifts the reading frame from valine 140.
Molecular consequence: frameshift variant. On other transcripts: intron variant (1).
Genome position (GRCh38, 1-based): chr11:2,885,041, G duplicated on the plus strand (C on the coding strand, the reverse complement: CDKN1C is on the minus strand); the first of 5 consecutive G bases (chr11:2,885,041-2,885,045); duplicating any one gives the same sequence. VCF-style (leftmost placement, unchanged base first): chr11-2885040-T-TG. GRCh37 (hg19) VCF-style: chr11-2906270-T-TG.
Other names: c.449dup, p.Val151fs (NM_000076.2, NM_001362474.2); c.416dup, p.Val140fs (NM_001122631.2); c.255+161dup (NM_001362475.2); short protein forms V140fs, V151fs.
Identifiers: ClinVar variation 2135293 (VCV002135293.4), dbSNP rs786205234, ClinGen allele CA2580082682.